The following is an entry in ClinVar:

NM_002691.4(POLD1):c.2154+6C>T

Gene: POLD1 (DNA polymerase delta 1, catalytic subunit; plus strand). Cytogenetic location: 19q13.33.
Variant type: single nucleotide variant.
Coding change: c.2154+6C>T on transcript NM_002691.4 (MANE Select); 6 bases into the intron after coding-DNA position 2154, C replaced by T.
Molecular consequence: intron variant.
Genome position (GRCh38, 1-based): chr19:50,409,672, C>T. VCF-style: chr19-50409672-C-T. GRCh37 (hg19) VCF-style: chr19-50912929-C-T.
Other names: c.2154+6C>T (NM_001256849.1); c.2232+6C>T (NM_001308632.1).
Identifiers: ClinVar variation 1489470 (VCV001489470.6), dbSNP rs2122390409, ClinGen allele CA2573156711.

ClinVar aggregate classification (germline): Uncertain significance (1 of 4 stars; one submission).

Conditions:
POLD1-related polyposis and colorectal cancer syndrome (CRCS10). Also called: Colorectal cancer 10; COLORECTAL CANCER, SUSCEPTIBILITY TO, ON CHROMOSOME 19q; Colorectal cancer, susceptibility to, 10. Identifiers: Orphanet 220460, MedGen C2675481, MONDO:0012953, OMIM 612591.

Submission:

Labcorp Genetics (formerly Invitae), Labcorp
Classification: Uncertain significance for POLD1-related polyposis and colorectal cancer syndrome. Last evaluated: 2025-07-27. Review status: criteria provided, single submitter. Criteria: Invitae Variant Classification Sherloc (09022015). Collection method: clinical testing. Allele origin: germline.
Comment: This sequence change falls in intron 17 of the POLD1 gene. It does not directly change the encoded amino acid sequence of the POLD1 protein. It affects a nucleotide within the consensus splice site. This variant is not present in population databases (gnomAD no frequency). This variant has not been reported in the literature in individuals affected with POLD1-related conditions. ClinVar contains an entry for this variant (Variation ID: 1489470). Variants that disrupt the consensus splice site are a relatively common cause of aberrant splicing (PMID: 17576681, 9536098). Algorithms developed to predict the effect of sequence changes on RNA splicing suggest that this variant is not likely to affect RNA splicing. In summary, the available evidence is currently insufficient to determine the role of this variant in disease. Therefore, it has been classified as a Variant of Uncertain Significance.

Literature cited by the submitters: PubMed 17576681; PubMed 9536098.